The following is an entry in ClinVar:

ClinVar aggregate classification (germline): Uncertain significance (1 of 4 stars; one submission).

Conditions:
Inborn genetic diseases. Identifiers: MedGen C0950123, MeSH D030342.

gnomAD v4.1: 4 of 1,614,186 alleles (0.00025%); highest among the groups gnomAD compares: Middle Eastern, 0.033%; no homozygotes.

Submission:

Ambry Genetics
Classification: Uncertain significance for Inborn genetic diseases. Last evaluated: 2026-06-13. Review status: criteria provided, single submitter. Criteria: Ambry Variant Classification Scheme 2023. Collection method: clinical testing. Allele origin: germline.
Comment: The p.K1012E variant (also known as c.3034A>G), located in coding exon 13 of the BMPR2 gene, results from an A to G substitution at nucleotide position 3034. The lysine at codon 1012 is replaced by glutamic acid, an amino acid with similar properties. This amino acid position is conserved. In addition, the in silico prediction for this alteration is inconclusive. Based on the available evidence, the clinical significance of this variant remains unclear.

NM_001204.7(BMPR2):c.3034A>G (p.Lys1012Glu)

Gene: BMPR2 (bone morphogenetic protein receptor type 2; plus strand). Cytogenetic location: 2q33.2.
Variant type: single nucleotide variant.
Coding change: c.3034A>G on transcript NM_001204.7 (MANE Select); coding-DNA position 3034, A replaced by G.
Protein change: p.Lys1012Glu; replaces lysine 1012 with glutamic acid.
Molecular consequence: missense variant.
Genome position (GRCh38, 1-based): chr2:202,559,863, A>G. VCF-style: chr2-202559863-A-G. GRCh37 (hg19) VCF-style: chr2-203424586-A-G.
Other names: short protein forms K1012E.
Identifiers: ClinVar variation 4867661 (VCV004867661.1).